The following is an entry in ClinVar:

NM_004958.4(MTOR):c.7184A>G (p.Asn2395Ser)

Gene: MTOR (mechanistic target of rapamycin kinase; minus strand). Cytogenetic location: 1p36.22.
Variant type: single nucleotide variant.
Coding change: c.7184A>G on transcript NM_004958.4 (MANE Select); coding-DNA position 7184, A replaced by G.
Protein change: p.Asn2395Ser; replaces asparagine 2395 with serine.
Molecular consequence: missense variant.
Genome position (GRCh38, 1-based): chr1:11,114,434, T>C on the plus strand (A>G on the coding strand, the complement: MTOR is on the minus strand). VCF-style: chr1-11114434-T-C. GRCh37 (hg19) VCF-style: chr1-11174491-T-C.
Other names: c.7184A>G, p.Asn2395Ser (NM_001386500.1); c.5936A>G, p.Asn1979Ser (NM_001386501.1); short protein forms N1979S, N2395S.
Identifiers: ClinVar variation 4860456 (VCV004860456.1).

ClinVar aggregate classification (germline): Uncertain significance (1 of 4 stars; one submission).

Conditions:
Inborn genetic diseases. Identifiers: MedGen C0950123, MeSH D030342.

Submission:

Ambry Genetics
Classification: Uncertain significance for Inborn genetic diseases. Last evaluated: 2026-05-11. Review status: criteria provided, single submitter. Criteria: Ambry Variant Classification Scheme 2023. Collection method: clinical testing. Allele origin: germline.
Comment: The c.7184A>G (p.N2395S) alteration is located in exon 53 (coding exon 52) of the MTOR gene. This alteration results from a A to G substitution at nucleotide position 7184, causing the asparagine (N) at amino acid position 2395 to be replaced by a serine (S). Based on data from gnomAD, the G allele has an overall frequency of <0.001% (1/251248) total alleles studied. The highest observed frequency was 0.005% (1/18394) of East Asian alleles. Based on insufficient or conflicting evidence, the clinical significance of this alteration remains unclear.